The following is an entry in ClinVar:

ClinVar aggregate classification (germline): Uncertain significance (1 of 4 stars; one submission).

gnomAD v4.1: 1 of 1,603,546 alleles (0.000062%); highest among the groups gnomAD compares: Non-Finnish European, 0.000085%; no homozygotes.

Submission:

Labcorp Genetics (formerly Invitae), Labcorp
Classification: Uncertain significance. Last evaluated: 2025-10-06. Review status: criteria provided, single submitter. Criteria: Invitae Variant Classification Sherloc (09022015). Collection method: clinical testing. Allele origin: germline.
Comment: This sequence change replaces valine, which is neutral and non-polar, with leucine, which is neutral and non-polar, at codon 438 of the ADGRA3 protein (p.Val438Leu). This variant is not present in population databases (gnomAD no frequency). This variant has not been reported in the literature in individuals affected with ADGRA3-related conditions. An algorithm developed to predict the effect of missense changes on protein structure and function (PolyPhen-2) suggests that this variant is likely to be tolerated. In summary, the available evidence is currently insufficient to determine the role of this variant in disease. Therefore, it has been classified as a Variant of Uncertain Significance.

NM_145290.4(ADGRA3):c.1312G>T (p.Val438Leu)

Gene: ADGRA3 (adhesion G protein-coupled receptor A3; minus strand). Cytogenetic location: 4p15.2.
Variant type: single nucleotide variant.
Coding change: c.1312G>T on transcript NM_145290.4 (MANE Select); coding-DNA position 1312, G replaced by T.
Protein change: p.Val438Leu; replaces valine 438 with leucine.
Molecular consequence: missense variant.
Genome position (GRCh38, 1-based): chr4:22,435,442, C>A on the plus strand (G>T on the coding strand, the complement: ADGRA3 is on the minus strand). VCF-style: chr4-22435442-C-A. GRCh37 (hg19) VCF-style: chr4-22437065-C-A.
Other names: short protein forms V438L.
Identifiers: ClinVar variation 4811043 (VCV004811043.1).